The following is an entry in ClinVar:

ClinVar aggregate classification (germline): Uncertain significance. Review status: criteria provided, multiple submitters, no conflicts (2 of 4 stars). 2 submissions from 2 submitters: Uncertain significance (2). Last evaluated 2024-09-17.

Conditions:
Immunodeficiency 14 (IMD14A). Also called: IMMUNODEFICIENCY 14A WITH LYMPHOPROLIFERATION, AUTOSOMAL DOMINANT; p110-DELTA-ACTIVATING MUTATION CAUSING SENESCENT T CELLS, LYMPHADENOPATHY, AND IMMUNODEFICIENCY; ACTIVATED PI3K-DELTA SYNDROME 1; Activated PI3K Delta Syndrome Type 1 (APDS1). Identifiers: Orphanet 397596, Orphanet 693661, MedGen C5907821, MONDO:0014222, OMIM 615513.

gnomAD v4.1: 1 of 1,614,172 alleles (0.000062%); highest among the groups gnomAD compares: Non-Finnish European, 0.000085%; no homozygotes.

Submissions (2):

Blueprint Genetics
Classification: Uncertain significance. Last evaluated: 2024-09-17. Review status: criteria provided, single submitter. Criteria: ACMG Guidelines, 2015. Collection method: clinical testing. Allele origin: germline.

Labcorp Genetics (formerly Invitae), Labcorp
Classification: Uncertain significance for Activated PI3K-delta syndrome. Last evaluated: 2024-02-26. Review status: criteria provided, single submitter. Criteria: Invitae Variant Classification Sherloc (09022015). Collection method: clinical testing. Allele origin: germline.
Comment: This sequence change replaces arginine, which is basic and polar, with tryptophan, which is neutral and slightly polar, at codon 894 of the PIK3CD protein (p.Arg894Trp). This variant is not present in population databases (gnomAD no frequency). This variant has not been reported in the literature in individuals affected with PIK3CD-related conditions. Advanced modeling of protein sequence and biophysical properties (such as structural, functional, and spatial information, amino acid conservation, physicochemical variation, residue mobility, and thermodynamic stability) performed at Invitae indicates that this missense variant is expected to disrupt PIK3CD protein function with a positive predictive value of 80%. In summary, the available evidence is currently insufficient to determine the role of this variant in disease. Therefore, it has been classified as a Variant of Uncertain Significance.

NM_005026.5(PIK3CD):c.2680C>T (p.Arg894Trp)

Gene: PIK3CD (phosphatidylinositol-4,5-bisphosphate 3-kinase catalytic subunit delta; plus strand). Cytogenetic location: 1p36.22.
Variant type: single nucleotide variant.
Coding change: c.2680C>T on transcript NM_005026.5 (MANE Select); coding-DNA position 2680, C replaced by T.
Protein change: p.Arg894Trp; replaces arginine 894 with tryptophan.
Molecular consequence: missense variant.
Genome position (GRCh38, 1-based): chr1:9,724,054, C>T. VCF-style: chr1-9724054-C-T. GRCh37 (hg19) VCF-style: chr1-9784112-C-T.
Other names: c.2677C>T, p.Arg893Trp (NM_001350234.2); c.2593C>T, p.Arg865Trp (NM_001350235.1); short protein forms R894W, R893W, R865W.
Identifiers: ClinVar variation 3693368 (VCV003693368.3).
Genomic context (GRCh38, chr1:9,724,054, plus strand): 5'-GAGTTCACCCTCTCCTGTGCTGGCTATTGTGTGGCCACATATGTGCTGGGCATTGGCGAT[C>T]GGCACAGCGACAACATCATGATCCGAGAGAGTGGGCAGGTACAGGGGCTGGTGCTGGCGG-3'
Protein context (NP_005017.3, residues 884-904): VATYVLGIGD[Arg894Trp]HSDNIMIRES